The following is an entry in ClinVar:

NM_022124.6(CDH23):c.8794A>G (p.Ile2932Val)

Gene: CDH23 (cadherin related 23; plus strand). Cytogenetic location: 10q22.1.
Variant type: single nucleotide variant.
Coding change: c.8794A>G on transcript NM_022124.6 (MANE Select); coding-DNA position 8794, A replaced by G.
Protein change: p.Ile2932Val; replaces isoleucine 2932 with valine.
Molecular consequence: missense variant.
Genome position (GRCh38, 1-based): chr10:71,809,891, A>G. VCF-style: chr10-71809891-A-G. GRCh37 (hg19) VCF-style: chr10-73569648-A-G.
Other names: c.2074A>G, p.Ile692Val (NM_001171933.1, NM_001171934.1); short protein forms I2932V, I692V.
Identifiers: ClinVar variation 3668964 (VCV003668964.2).

ClinVar aggregate classification (germline): Uncertain significance (1 of 4 stars; one submission).

gnomAD v4.1: 2 of 1,613,366 alleles (0.00012%); highest among the groups gnomAD compares: Non-Finnish European, 0.000085%; no homozygotes.

Submission:

Labcorp Genetics (formerly Invitae), Labcorp
Classification: Uncertain significance. Last evaluated: 2024-04-30. Review status: criteria provided, single submitter. Criteria: Invitae Variant Classification Sherloc (09022015). Collection method: clinical testing. Allele origin: germline.
Comment: This sequence change replaces isoleucine, which is neutral and non-polar, with valine, which is neutral and non-polar, at codon 2932 of the CDH23 protein (p.Ile2932Val). This variant is not present in population databases (gnomAD no frequency). This variant has not been reported in the literature in individuals affected with CDH23-related conditions. Advanced modeling of protein sequence and biophysical properties (such as structural, functional, and spatial information, amino acid conservation, physicochemical variation, residue mobility, and thermodynamic stability) performed at Invitae indicates that this missense variant is not expected to disrupt CDH23 protein function with a negative predictive value of 95%. In summary, the available evidence is currently insufficient to determine the role of this variant in disease. Therefore, it has been classified as a Variant of Uncertain Significance.